The following is an entry in ClinVar:

NM_000104.4(CYP1B1):c.142C>G (p.Arg48Gly)

Gene: CYP1B1 (cytochrome P450 family 1 subfamily B member 1; minus strand). Cytogenetic location: 2p22.2.
Variant type: single nucleotide variant.
Coding change: c.142C>G on transcript NM_000104.4 (MANE Select); coding-DNA position 142, C replaced by G.
Protein change: p.Arg48Gly; replaces arginine 48 with glycine.
Molecular consequence: missense variant.
Genome position (GRCh38, 1-based): chr2:38,075,247, G>C on the plus strand (C>G on the coding strand, the complement: CYP1B1 is on the minus strand). VCF-style: chr2-38075247-G-C. GRCh37 (hg19) VCF-style: chr2-38302390-G-C.
Other names: NM_000104.4(CYP1B1):c.142C>G; short protein forms R48G.
Identifiers: ClinVar variation 92436 (VCV000092436.22), dbSNP rs10012, ClinGen allele CA145739.

ClinVar aggregate classification (germline): Benign. Review status: reviewed by expert panel (3 of 4 stars). 10 submissions from 9 submitters: Benign (1). 9 of the submissions do not count toward it. Last evaluated 2025-11-19.

Conditions:
Congenital glaucoma. Identifiers: MedGen C0020302, MONDO:0020366.
Anterior segment dysgenesis 6 (ASGD6). Also called: Anterior segment dysgenesis 6, multiple subtypes. Identifiers: MedGen C4310623, MONDO:0015016, OMIM 617315.
CYP1B1-related glaucoma with or without anterior segment dysgenesis. Identifiers: MedGen CN375931, MONDO:0800472.
Glaucoma 3A. Also called: Glaucoma 3, primary congenital, A. Identifiers: Orphanet 98976, Orphanet 98977, MedGen C1856439, MONDO:0009277, OMIM 231300.

Allele frequency attached by ClinVar (database versions not stated): gnomAD 0.36324; 1000 Genomes Project 0.37480; TOPMed 0.35626; ExAC 0.37774; gnomAD exomes 0.31249; ESP Exome Variant Server 0.34985; 1000 Genomes Project 30x 0.37695.
gnomAD v4.1: 474,434 of 1,593,196 alleles (30%); highest among the groups gnomAD compares: African/African-American, 52%; 74,187 homozygotes.

Submissions (10):

ClinGen Glaucoma Variant Curation Expert Panel
Classification: Benign for CYP1B1-related glaucoma with or without anterior segment dysgenesis. Last evaluated: 2025-11-19. Review status: reviewed by expert panel. Criteria: ClinGen CYP1B1 ACMG Specifications V1 Approved. Collection method: curation. Allele origin: germline. Inheritance: Autosomal recessive inheritance.
Comment: The c.142C>G variant in CYP1B1 is a missense variant predicted to cause substitution of Arginine by Glycine at amino acid 48 (p.Arg48Gly). The highest minor allele frequency of this variant was in the African/African American genetic ancestry group of gnomAD (v4.1) = 0.5206, which met the ≥ 0.05 threshold set for BA1 (38983 alleles out of 74878, meeting the threshold of ≥ 5 of at least 2,000 observed alleles). The REVEL score = 0.029, which was within the 0.017-0.183 range for BP4_Moderate and this variant was not predicted to affect splicing, as assessed with SpliceAI (≤ 0.1), suggesting that the variant does not impact CYP1B1 function. PS3_Supporting was not applied as the assay reported in PMID: 10910054 did not meet the OddsPath threshold (> 2.1). In summary, this variant was classified as benign (BA1 is a stand-alone criterion for a benign level of pathogenicity) for CYP1B1- related glaucoma with or without anterior segment dysgenesis (ASD) based on the ACMG/AMP criteria met, as specified by the ClinGen Glaucoma VCEP (v1.0, 06.11.2025): BA1, BP4_Moderate.

Labcorp Genetics (formerly Invitae), Labcorp
Classification: Benign for Congenital glaucoma. Last evaluated: 2026-02-04. Review status: criteria provided, single submitter. Criteria: Invitae Variant Classification Sherloc (09022015). Collection method: clinical testing. Allele origin: germline. Not counted in ClinVar's aggregate classification.

Women's Health and Genetics/Laboratory Corporation of America, LabCorp
Classification: Likely benign. Last evaluated: 2021-12-03. Review status: criteria provided, single submitter. Criteria: LabCorp Variant Classification Summary - May 2015. Collection method: clinical testing. Allele origin: germline. Not counted in ClinVar's aggregate classification.

Genome-Nilou Lab
Classification: Benign for Anterior segment dysgenesis 6. Last evaluated: 2021-07-30. Review status: criteria provided, single submitter. Criteria: ACMG Guidelines, 2015. Collection method: clinical testing. Allele origin: germline. Affected: no. Not counted in ClinVar's aggregate classification.

Genome-Nilou Lab
Classification: Benign for Glaucoma 3A. Last evaluated: 2021-07-30. Review status: criteria provided, single submitter. Criteria: ACMG Guidelines, 2015. Collection method: clinical testing. Allele origin: germline. Affected: no. Not counted in ClinVar's aggregate classification.

Illumina Laboratory Services, Illumina
Classification: Benign for Glaucoma 3A. Last evaluated: 2017-04-27. Review status: criteria provided, single submitter. Criteria: ICSL Variant Classification Criteria 13 December 2019. Collection method: clinical testing. Allele origin: germline. Not counted in ClinVar's aggregate classification.
Comment: This variant was observed as part of a predisposition screen in an ostensibly healthy population. A literature search was performed for the gene, cDNA change, and amino acid change (where applicable). Publications were found based on this search. The evidence from the literature, in combination with allele frequency data from public databases where available, was sufficient to rule this variant out of causing disease. Therefore, this variant is classified as benign.

GeneDx
Classification: Benign. Last evaluated: 2015-03-03. Review status: criteria provided, single submitter. Criteria: GeneDx Variant Classification Process June 2021. Collection method: clinical testing. Allele origin: germline. Affected: yes. Not counted in ClinVar's aggregate classification.
Comment: This variant is associated with the following publications: (PMID: 15958554, 11854439, 18573508, 10910054)

Eurofins Ntd Llc (ga)
Classification: Benign. Last evaluated: 2013-08-14. Review status: criteria provided, single submitter. Criteria: EGL Classification Definitions 2015. Collection method: clinical testing. Allele origin: germline. Observed: 4 variant alleles, 2 heterozygotes, 2 homozygotes. Not counted in ClinVar's aggregate classification.

Breakthrough Genomics
Classification: Likely benign. Review status: criteria provided, single submitter. Criteria: ACMG Guidelines, 2015. Collection method: not provided. Allele origin: germline. Inheritance: Autosomal recessive inheritance. Affected: yes. Not counted in ClinVar's aggregate classification.

PreventionGenetics, part of Exact Sciences
Classification: Benign. Review status: criteria provided, single submitter. Criteria: ACMG Guidelines, 2015. Collection method: clinical testing. Allele origin: germline. Not counted in ClinVar's aggregate classification.

Literature cited by the submitters: PubMed 10910054 (cited by Illumina Laboratory Services, Illumina).